The following is an entry in ClinVar:

NM_173076.3(ABCA12):c.775C>T (p.Gln259Ter)

Gene: ABCA12 (ATP binding cassette subfamily A member 12; minus strand). Cytogenetic location: 2q35.
Variant type: single nucleotide variant.
Coding change: c.775C>T on transcript NM_173076.3 (MANE Select); coding-DNA position 775, C replaced by T.
Protein change: p.Gln259Ter; replaces glutamine 259 with a stop codon.
Molecular consequence: nonsense. On other transcripts: non-coding transcript variant (1).
Genome position (GRCh38, 1-based): chr2:215,045,934, G>A on the plus strand (C>T on the coding strand, the complement: ABCA12 is on the minus strand). VCF-style: chr2-215045934-G-A. GRCh37 (hg19) VCF-style: chr2-215910658-G-A.
Other names: short protein forms Q259*.
Identifiers: ClinVar variation 4085900 (VCV004085900.8).

ClinVar aggregate classification (germline): Pathogenic (1 of 4 stars; one submission).

gnomAD v4.1: 2 of 1,613,626 alleles (0.00012%); highest among the groups gnomAD compares: Non-Finnish European, 0.000085%; no homozygotes.

Submission:

CeGaT Center for Human Genetics Tuebingen
Classification: Pathogenic. Last evaluated: 2025-08-01. Review status: criteria provided, single submitter. Criteria: CeGaT Center For Human Genetics Tuebingen Variant Classification Criteria Version 2. Collection method: clinical testing. Allele origin: germline. Affected: yes. Observed: 1 variant allele.
Comment: ABCA12: PVS1, PM2